The following is an entry in ClinVar:

ClinVar aggregate classification (germline): Uncertain significance. Review status: criteria provided, multiple submitters, no conflicts (2 of 4 stars). 3 submissions from 3 submitters: Uncertain significance (3). Last evaluated 2025-12-26.

Conditions:
Familial thoracic aortic aneurysm and aortic dissection (TAAD). Also called: Thoracic aortic aneurysms and dissections. Identifiers: Orphanet 91387, MedGen C4707243, MONDO:0019625.

gnomAD v4.1: 8 of 1,611,726 alleles (0.0005%); highest among the groups gnomAD compares: Non-Finnish European, 0.00068%; no homozygotes.

Submissions (3):

Ambry Genetics
Classification: Uncertain significance for Familial thoracic aortic aneurysm and aortic dissection. Last evaluated: 2025-12-26. Review status: criteria provided, single submitter. Criteria: Ambry Variant Classification Scheme 2023. Collection method: clinical testing. Allele origin: germline.
Comment: The p.V1043G variant (also known as c.3128T>G), located in coding exon 44 of the COL5A2 gene, results from a T to G substitution at nucleotide position 3128. The valine at codon 1043 is replaced by glycine, an amino acid with dissimilar properties. This amino acid position is conserved. In addition, the in silico prediction for this alteration is inconclusive. Based on the available evidence, the clinical significance of this variant remains unclear.

CeGaT Center for Human Genetics Tuebingen
Classification: Uncertain significance. Last evaluated: 2025-06-01. Review status: criteria provided, single submitter. Criteria: CeGaT Center For Human Genetics Tuebingen Variant Classification Criteria Version 2. Collection method: clinical testing. Allele origin: germline. Affected: yes. Observed: 1 variant allele.
Comment: COL5A2: PP2

GeneDx
Classification: Uncertain significance. Last evaluated: 2019-11-14. Review status: criteria provided, single submitter. Criteria: GeneDx Variant Classification Process June 2021. Collection method: clinical testing. Allele origin: germline. Affected: yes.
Comment: Not observed in large population cohorts (Lek et al., 2016); In silico analysis, which includes protein predictors and evolutionary conservation, supports that this variant does not alter protein structure/function; Has not been previously published as pathogenic or benign to our knowledge

NM_000393.5(COL5A2):c.3128T>G (p.Val1043Gly)

Gene: COL5A2 (collagen type V alpha 2 chain; minus strand). Cytogenetic location: 2q32.2.
Variant type: single nucleotide variant.
Coding change: c.3128T>G on transcript NM_000393.5 (MANE Select); coding-DNA position 3128, T replaced by G.
Protein change: p.Val1043Gly; replaces valine 1043 with glycine.
Molecular consequence: missense variant.
Genome position (GRCh38, 1-based): chr2:189,049,366, A>C on the plus strand (T>G on the coding strand, the complement: COL5A2 is on the minus strand). VCF-style: chr2-189049366-A-C. GRCh37 (hg19) VCF-style: chr2-189914092-A-C.
Other names: short protein forms V1043G.
Identifiers: ClinVar variation 1303657 (VCV001303657.10), dbSNP rs2153507890, ClinGen allele CA349865180.